The following is an entry in ClinVar:

ClinVar aggregate classification (germline): Uncertain significance. Review status: criteria provided, multiple submitters, no conflicts (2 of 4 stars). 2 submissions from 2 submitters: Uncertain significance (2). Last evaluated 2025-06-28.

Conditions:
Cardiovascular phenotype. Identifiers: MedGen CN230736.

gnomAD v4.1: 5 of 1,614,052 alleles (0.00031%); highest among the groups gnomAD compares: Non-Finnish European, 0.00042%; no homozygotes.

Submissions (2):

Ambry Genetics
Classification: Uncertain significance for Cardiovascular phenotype. Last evaluated: 2025-06-28. Review status: criteria provided, single submitter. Criteria: Ambry Variant Classification Scheme 2023. Collection method: clinical testing. Allele origin: germline.
Comment: The p.T1305I variant (also known as c.3914C>T), located in coding exon 22 of the FLNC gene, results from a C to T substitution at nucleotide position 3914. The threonine at codon 1305 is replaced by isoleucine, an amino acid with similar properties. This amino acid position is conserved. In addition, the in silico prediction for this alteration is inconclusive. Based on the available evidence, the clinical significance of this variant remains unclear.

GeneDx
Classification: Uncertain significance. Last evaluated: 2025-03-12. Review status: criteria provided, single submitter. Criteria: GeneDx Variant Classification Process June 2021. Collection method: clinical testing. Allele origin: germline. Affected: yes.
Comment: Not observed at significant frequency in large population cohorts (gnomAD); In silico analysis supports that this missense variant has a deleterious effect on protein structure/function; Has not been previously published as pathogenic or benign to our knowledge

NM_001458.5(FLNC):c.3914C>T (p.Thr1305Ile)

Gene: FLNC (filamin C; plus strand). Cytogenetic location: 7q32.1.
Variant type: single nucleotide variant.
Coding change: c.3914C>T on transcript NM_001458.5 (MANE Select); coding-DNA position 3914, C replaced by T.
Protein change: p.Thr1305Ile; replaces threonine 1305 with isoleucine.
Molecular consequence: missense variant.
Genome position (GRCh38, 1-based): chr7:128,846,113, C>T. VCF-style: chr7-128846113-C-T. GRCh37 (hg19) VCF-style: chr7-128486167-C-T.
Other names: c.3914C>T, p.Thr1305Ile (NM_001127487.2); short protein forms T1305I.
Identifiers: ClinVar variation 4083305 (VCV004083305.2).